The following is an entry in ClinVar:

ClinVar aggregate classification (germline): Uncertain significance (1 of 4 stars; one submission).

Conditions:
PKD1-related disorder. Also called: PKD1-related condition.

Submission:

PreventionGenetics, part of Exact Sciences
Classification: Uncertain significance for PKD1-related condition. Last evaluated: 2023-02-07. Review status: criteria provided, single submitter. Criteria: ACMG Guidelines, 2015. Collection method: clinical testing. Allele origin: germline.
Comment: The PKD1 c.11425G>C variant is predicted to result in the amino acid substitution p.Gly3809Arg. This variant was reported in a patient with primary ciliopathies (Brndiarova et al, 2021. PubMed ID:33687727). However, this variant has not been reported in the literature, the ADPKD Variant Database or in a large population database, indicating this variant is rare. An alternate substitution impacting the same amino acid (p.Gly3809Val) was reported in a study of patients with autosomal polycystic kidney disease (ADPKD) (Table S5 in Carrera et al. 2016. PubMed ID: 27499327). At this time, the clinical significance of the c.11425G>C (p.Gly3809Arg) variant is uncertain due to the absence of conclusive functional and genetic evidence.

NM_001009944.3(PKD1):c.11425G>C (p.Gly3809Arg)

Genes: PKD1 (polycystin 1, transient receptor potential channel interacting; minus strand), PKD1-AS1 (PKD1 antisense RNA 1; plus strand). Cytogenetic location: 16p13.3.
Variant type: single nucleotide variant.
Coding change: c.11425G>C on transcript NM_001009944.3 (MANE Select); coding-DNA position 11425, G replaced by C.
Protein change: p.Gly3809Arg; replaces glycine 3809 with arginine.
Molecular consequence: missense variant.
Genome position (GRCh38, 1-based): chr16:2,091,893, C>G on the plus strand (G>C on the coding strand, the complement: PKD1 is on the minus strand). VCF-style: chr16-2091893-C-G. GRCh37 (hg19) VCF-style: chr16-2141894-C-G.
Other names: c.11422G>C, p.Gly3808Arg (NM_000296.4); short protein forms G3808R, G3809R.
Identifiers: ClinVar variation 2630565 (VCV002630565.1), dbSNP rs1339698223, ClinGen allele CA394333474.